The following is an entry in ClinVar:

NM_016525.5(UBAP1):c.226G>A (p.Glu76Lys)

Gene: UBAP1 (ubiquitin associated protein 1; plus strand). Cytogenetic location: 9p13.3.
Variant type: single nucleotide variant.
Coding change: c.226G>A on transcript NM_016525.5 (MANE Select); coding-DNA position 226, G replaced by A.
Protein change: p.Glu76Lys; replaces glutamic acid 76 with lysine.
Molecular consequence: missense variant. On other transcripts: non-coding transcript variant (1).
Genome position (GRCh38, 1-based): chr9:34,241,251, G>A. VCF-style: chr9-34241251-G-A. GRCh37 (hg19) VCF-style: chr9-34241249-G-A.
Other names: c.418G>A, p.Glu140Lys (NM_001171201.1); c.334G>A, p.Glu112Lys (NM_001171202.1); c.226G>A, p.Glu76Lys (NM_001171203.3, NM_001171204.3); short protein forms E112K, E140K, E76K.
Identifiers: ClinVar variation 3239066 (VCV003239066.19), dbSNP rs370655695.
Genomic context (GRCh38, chr9:34,241,251, plus strand): 5'-TTCTCTTTGGAAAAGAAAACCATTGAGTGGGCTGAAGAGATTAAGAAAATCGAAGAAGCC[G>A]AGCGGGAAGCAGAGTGCAAAATTGCGGAAGCAGAAGCTAAAGTGAATTCTAAGAGTGGCC-3'
Protein context (NP_057609.2, residues 66-86): AEEIKKIEEA[Glu76Lys]REAECKIAEA

ClinVar aggregate classification (germline): Conflicting classifications of pathogenicity. Review status: criteria provided, conflicting classifications (1 of 4 stars). 2 submissions from 2 submitters: Uncertain significance (1); Likely benign (1). Last evaluated 2025-03-28.

Conditions:
Inborn genetic diseases. Identifiers: MedGen C0950123, MeSH D030342.

Allele frequency attached by ClinVar (database versions not stated): ExAC 0.00004; gnomAD exomes 0.00007; ESP Exome Variant Server 0.00008; gnomAD 0.00013; TOPMed 0.00015.

Submissions (2):

Ambry Genetics
Classification: Uncertain significance for Inborn genetic diseases. Last evaluated: 2025-03-28. Review status: criteria provided, single submitter. Criteria: Ambry Variant Classification Scheme 2023. Collection method: clinical testing. Allele origin: germline.

CeGaT Center for Human Genetics Tuebingen
Classification: Likely benign. Last evaluated: 2024-05-01. Review status: criteria provided, single submitter. Criteria: CeGaT Center For Human Genetics Tuebingen Variant Classification Criteria Version 2. Collection method: clinical testing. Allele origin: germline. Affected: yes. Observed: 1 variant allele.
Comment: UBAP1: BP4